The following is an entry in ClinVar:

ClinVar aggregate classification (germline): Uncertain significance. Review status: criteria provided, multiple submitters, no conflicts (2 of 4 stars). 2 submissions from 2 submitters: Uncertain significance (2). Last evaluated 2025-03-13.

Submissions (2):

GeneDx
Classification: Uncertain significance. Last evaluated: 2025-03-13. Review status: criteria provided, single submitter. Criteria: GeneDx Variant Classification Process June 2021. Collection method: clinical testing. Allele origin: germline. Affected: yes.
Comment: Not observed at significant frequency in large population cohorts (gnomAD); In silico analysis indicates that this missense variant does not alter protein structure/function; Has not been previously published as pathogenic or benign to our knowledge

Labcorp Genetics (formerly Invitae), Labcorp
Classification: Uncertain significance. Last evaluated: 2021-12-20. Review status: criteria provided, single submitter. Criteria: Invitae Variant Classification Sherloc (09022015). Collection method: clinical testing. Allele origin: germline.
Comment: In summary, the available evidence is currently insufficient to determine the role of this variant in disease. Therefore, it has been classified as a Variant of Uncertain Significance. Algorithms developed to predict the effect of missense changes on protein structure and function are either unavailable or do not agree on the potential impact of this missense change (SIFT: "Deleterious"; PolyPhen-2: "Probably Damaging"; Align-GVGD: "Class C0"). This variant has not been reported in the literature in individuals affected with SCN3A-related conditions. This variant is not present in population databases (gnomAD no frequency). This sequence change replaces leucine, which is neutral and non-polar, with isoleucine, which is neutral and non-polar, at codon 755 of the SCN3A protein (p.Leu755Ile).

NM_006922.4(SCN3A):c.2263T>A (p.Leu755Ile)

Gene: SCN3A (sodium voltage-gated channel alpha subunit 3; minus strand). Cytogenetic location: 2q24.3.
Variant type: single nucleotide variant.
Coding change: c.2263T>A on transcript NM_006922.4 (MANE Select); coding-DNA position 2263, T replaced by A.
Protein change: p.Leu755Ile; replaces leucine 755 with isoleucine.
Molecular consequence: missense variant.
Genome position (GRCh38, 1-based): chr2:165,138,007, A>T on the plus strand (T>A on the coding strand, the complement: SCN3A is on the minus strand). VCF-style: chr2-165138007-A-T. GRCh37 (hg19) VCF-style: chr2-165994517-A-T.
Other names: c.2116T>A, p.Leu706Ile (NM_001081676.2, NM_001081677.2); c.2263T>A (NM_006922.3); short protein forms L706I, L755I.
Identifiers: ClinVar variation 1494749 (VCV001494749.7), dbSNP rs2105801115, ClinGen allele CA349045225.